The following is an entry in ClinVar:

NM_015909.4(NBAS):c.3704-9C>T

Gene: NBAS (NBAS subunit of NRZ tethering complex; minus strand). Cytogenetic location: 2p24.3.
Variant type: single nucleotide variant.
Coding change: c.3704-9C>T on transcript NM_015909.4 (MANE Select); 9 bases into the intron before coding-DNA position 3704, C replaced by T.
Molecular consequence: intron variant.
Genome position (GRCh38, 1-based): chr2:15,366,702, G>A on the plus strand (C>T on the coding strand, the complement: NBAS is on the minus strand). VCF-style: chr2-15366702-G-A. GRCh37 (hg19) VCF-style: chr2-15506826-G-A.
Identifiers: ClinVar variation 4991055 (VCV004991055.1).

ClinVar aggregate classification (germline): Likely benign (1 of 4 stars; one submission).

Conditions:
NBAS-related disorder. Also called: NBAS-related condition.

gnomAD v4.1: 1 of 1,612,230 alleles (0.000062%); highest among the groups gnomAD compares: Non-Finnish European, 0.000085%; no homozygotes.

Submission:

PreventionGenetics, part of Exact Sciences
Classification: Likely benign for NBAS-related condition. Last evaluated: 2026-08-04. Review status: criteria provided, single submitter. Criteria: ACMG Guidelines, 2015. Collection method: clinical testing. Allele origin: germline.
Comment: This variant is classified as likely benign based on ACMG/AMP sequence variant interpretation guidelines (Richards et al. 2015 PMID: 25741868, with internal and published modifications).